The following is an entry in ClinVar:

NM_001365088.1(SLC12A6):c.2015G>A (p.Trp672Ter)

Gene: SLC12A6 (solute carrier family 12 member 6; minus strand). Cytogenetic location: 15q14.
Variant type: single nucleotide variant.
Coding change: c.2015G>A on transcript NM_001365088.1 (MANE Select); coding-DNA position 2015, G replaced by A.
Protein change: p.Trp672Ter; replaces tryptophan 672 with a stop codon.
Molecular consequence: nonsense.
Genome position (GRCh38, 1-based): chr15:34,244,001, C>T on the plus strand (G>A on the coding strand, the complement: SLC12A6 is on the minus strand). VCF-style: chr15-34244001-C-T. GRCh37 (hg19) VCF-style: chr15-34536202-C-T.
Other names: c.1838G>A, p.Trp613Ter (NM_001042494.2, NM_001042495.2); c.1988G>A, p.Trp663Ter (NM_001042496.2); c.1970G>A, p.Trp657Ter (NM_001042497.2); c.1862G>A, p.Trp621Ter (NM_005135.2); c.2015G>A, p.Trp672Ter (NM_133647.2); short protein forms W621*, W657*, W613*, W663*, W672*.
Identifiers: ClinVar variation 1458003 (VCV001458003.6), dbSNP rs2140682314, ClinGen allele CA391620524.

ClinVar aggregate classification (germline): Pathogenic (1 of 4 stars; one submission).

Submission:

Labcorp Genetics (formerly Invitae), Labcorp
Classification: Pathogenic. Last evaluated: 2021-12-22. Review status: criteria provided, single submitter. Criteria: Invitae Variant Classification Sherloc (09022015). Collection method: clinical testing. Allele origin: germline.
Comment: For these reasons, this variant has been classified as Pathogenic. This sequence change creates a premature translational stop signal (p.Trp672*) in the SLC12A6 gene. It is expected to result in an absent or disrupted protein product. Loss-of-function variants in SLC12A6 are known to be pathogenic (PMID: 12368912, 16606917). This variant is not present in population databases (gnomAD no frequency). This variant has not been reported in the literature in individuals affected with SLC12A6-related conditions.

Literature cited by the submitters: PubMed 12368912; PubMed 16606917.